The following is an entry in ClinVar:

ClinVar aggregate classification (germline): Uncertain significance. Review status: criteria provided, multiple submitters, no conflicts (2 of 4 stars). 3 submissions from 3 submitters: Uncertain significance (2). 1 of the submissions does not count toward it. Last evaluated 2025-12-15.

Conditions:
Cardiovascular phenotype. Identifiers: MedGen CN230736.
Dystrophin deficiency.
Cardiomyopathy (CMYO). Also called: Cardiomyopathies. Identifiers: Orphanet 167848, MedGen C0878544, MONDO:0004994, HP:0001638. Inheritance: Various modes of inheritance.
Becker muscular dystrophy (BMD). Also called: Becker Muscular Dystrophy (BMD); MUSCULAR DYSTROPHY, PSEUDOHYPERTROPHIC PROGRESSIVE, BECKER TYPE. Identifiers: Orphanet 98895, MedGen C0917713, MONDO:0010311, OMIM 300376.
Duchenne muscular dystrophy (DMD). Also called: Duchenne Muscular Dystrophy (DMD); MUSCULAR DYSTROPHY, PSEUDOHYPERTROPHIC PROGRESSIVE, DUCHENNE TYPE. Identifiers: Orphanet 98896, MedGen C0013264, MONDO:0010679, OMIM 310200.

Allele frequency attached by ClinVar (database versions not stated): gnomAD 0.00001; TOPMed 0.00001.
gnomAD v4.1: 4 of 1,209,225 alleles (0.00033%); highest among the groups gnomAD compares: East Asian, 0.003%; no homozygotes.

Submissions (3):

Labcorp Genetics (formerly Invitae), Labcorp
Classification: Uncertain significance for Duchenne muscular dystrophy. Last evaluated: 2025-12-15. Review status: criteria provided, single submitter. Criteria: Invitae Variant Classification Sherloc (09022015). Collection method: clinical testing. Allele origin: germline.
Comment: This sequence change replaces histidine, which is basic and polar, with tyrosine, which is neutral and polar, at codon 1504 of the DMD protein (p.His1504Tyr). This variant is not present in population databases (gnomAD no frequency). This missense change has been observed in individual(s) with Duchenne or Becker muscular dystrophy (PMID: 19959795). ClinVar contains an entry for this variant (Variation ID: 518587). Invitae Evidence Modeling of protein sequence and biophysical properties (such as structural, functional, and spatial information, amino acid conservation, physicochemical variation, residue mobility, and thermodynamic stability) indicates that this missense variant is not expected to disrupt DMD protein function with a negative predictive value of 95%. In summary, the available evidence is currently insufficient to determine the role of this variant in disease. Therefore, it has been classified as a Variant of Uncertain Significance.

Ambry Genetics
Classification: Uncertain significance for Cardiovascular phenotype. Last evaluated: 2016-11-10. Review status: criteria provided, single submitter. Criteria: Ambry Autosomal Dominant and X-Linked criteria (10/2015). Collection method: clinical testing. Allele origin: germline. Observed: 1 variant allele.
Comment: There is insufficient or conflicting evidence for classification of this alteration.

Natera, Inc.
Classification: Uncertain significance for Becker muscular dystrophy; Cardiomyopathy; Duchenne muscular dystrophy; Dystrophin deficiency. Last evaluated: 2018-12-06. Review status: no assertion criteria provided. Collection method: clinical testing. Allele origin: germline. Not counted in ClinVar's aggregate classification.

Literature cited by the submitters: PubMed 19959795 (cited by Labcorp Genetics (formerly Invitae), Labcorp and Ambry Genetics).

NM_004006.3(DMD):c.4510C>T (p.His1504Tyr)

Gene: DMD (dystrophin; minus strand). Cytogenetic location: Xp21.1.
Variant type: single nucleotide variant.
Coding change: c.4510C>T on transcript NM_004006.3 (MANE Select); coding-DNA position 4510, C replaced by T.
Protein change: p.His1504Tyr; replaces histidine 1504 with tyrosine.
Molecular consequence: missense variant.
Genome position (GRCh38, 1-based): chrX:32,389,509, G>A on the plus strand (C>T on the coding strand, the complement: DMD is on the minus strand). VCF-style: chrX-32389509-G-A. GRCh37 (hg19) VCF-style: chrX-32407626-G-A.
Other names: c.4486C>T, p.His1496Tyr (NM_000109.4); c.4498C>T, p.His1500Tyr (NM_004009.3); c.4141C>T, p.His1381Tyr (NM_004010.3); c.487C>T, p.His163Tyr (NM_004011.4); c.478C>T, p.His160Tyr (NM_004012.4); short protein forms H1504Y, H1500Y, H160Y, H1381Y, H1496Y, H163Y.
Identifiers: ClinVar variation 518587 (VCV000518587.8), dbSNP rs1469008607, ClinGen allele CA412662939.